The following is an entry in ClinVar:

NM_001039141.3(TRIOBP):c.1263T>C (p.Asn421=)

Gene: TRIOBP (TRIO and F-actin binding protein; plus strand). Cytogenetic location: 22q13.1.
Variant type: single nucleotide variant.
Coding change: c.1263T>C on transcript NM_001039141.3 (MANE Select); coding-DNA position 1263, T replaced by C.
Protein change: p.Asn421=; no amino-acid change (asparagine 421 retained).
Molecular consequence: synonymous variant.
Genome position (GRCh38, 1-based): chr22:37,723,819, T>C. VCF-style: chr22-37723819-T-C. GRCh37 (hg19) VCF-style: chr22-38119826-T-C.
Other names: c.1263T>C (NM_001039141.2).
Identifiers: ClinVar variation 595060 (VCV000595060.25), dbSNP rs566207993, ClinGen allele CA10223562.

ClinVar aggregate classification (germline): Benign/Likely benign. Review status: criteria provided, multiple submitters, no conflicts (2 of 4 stars). 5 submissions from 5 submitters: Benign (1); Likely benign (3). 1 of the submissions does not count toward it. Last evaluated 2025-02-01.

Conditions:
TRIOBP-related disorder. Also called: TRIOBP-related condition.

Allele frequency attached by ClinVar (database versions not stated): gnomAD 0.00017; 1000 Genomes Project 0.00120.
gnomAD v4.1: 589 of 1,593,746 alleles (0.037%); highest among the groups gnomAD compares: South Asian, 0.62%; 10 homozygotes.

Submissions (5):

CeGaT Center for Human Genetics Tuebingen
Classification: Likely benign. Last evaluated: 2025-02-01. Review status: criteria provided, single submitter. Criteria: CeGaT Center For Human Genetics Tuebingen Variant Classification Criteria Version 2. Collection method: clinical testing. Allele origin: germline. Affected: yes. Observed: 1 variant allele.
Comment: TRIOBP: BS2

Blueprint Genetics
Classification: Likely benign. Last evaluated: 2024-11-19. Review status: criteria provided, single submitter. Criteria: ACMG Guidelines, 2015. Collection method: clinical testing. Allele origin: germline.

Labcorp Genetics (formerly Invitae), Labcorp
Classification: Benign. Last evaluated: 2023-10-05. Review status: criteria provided, single submitter. Criteria: Invitae Variant Classification Sherloc (09022015). Collection method: clinical testing. Allele origin: germline.

Eurofins Ntd Llc (ga)
Classification: Likely benign. Last evaluated: 2017-11-28. Review status: criteria provided, single submitter. Criteria: EGL Classification Definitions 2015. Collection method: clinical testing. Allele origin: germline. Observed: 1 variant allele, 1 heterozygote.

PreventionGenetics, part of Exact Sciences
Classification: Likely benign for TRIOBP-related condition. Last evaluated: 2019-05-20. Review status: no assertion criteria provided. Collection method: clinical testing. Allele origin: germline. Not counted in ClinVar's aggregate classification.
Comment: This variant is classified as likely benign based on ACMG/AMP sequence variant interpretation guidelines (Richards et al. 2015 PMID: 25741868, with internal and published modifications).